The following is an entry in ClinVar:

ClinVar aggregate classification (germline): Uncertain significance (1 of 4 stars; one submission).

Conditions:
Cystic fibrosis (CF). Also called: MUCOVISCIDOSIS. Identifiers: Orphanet 586, MedGen C0010674, MONDO:0009061, OMIM 219700. Disease mechanism: loss of function.

Submission:

Ambry Genetics
Classification: Uncertain significance for Cystic fibrosis. Last evaluated: 2024-12-31. Review status: criteria provided, single submitter. Criteria: Ambry Variant Classification Scheme 2023. Collection method: clinical testing. Allele origin: germline.
Comment: The p.S790C variant (also known as c.2369C>G), located in coding exon 14 of the CFTR gene, results from a C to G substitution at nucleotide position 2369. The serine at codon 790 is replaced by cysteine, an amino acid with dissimilar properties. This amino acid position is conserved. In addition, the in silico prediction for this alteration is inconclusive. Based on the available evidence, the clinical significance of this variant remains unclear.

NM_000492.4(CFTR):c.2369C>G (p.Ser790Cys)

Gene: CFTR (CF transmembrane conductance regulator; plus strand). Cytogenetic location: 7q31.2.
Variant type: single nucleotide variant.
Coding change: c.2369C>G on transcript NM_000492.4 (MANE Select); coding-DNA position 2369, C replaced by G.
Protein change: p.Ser790Cys; replaces serine 790 with cysteine.
Molecular consequence: missense variant.
Genome position (GRCh38, 1-based): chr7:117,592,536, C>G. VCF-style: chr7-117592536-C-G. GRCh37 (hg19) VCF-style: chr7-117232590-C-G.
Other names: short protein forms S790C.
Identifiers: ClinVar variation 3832566 (VCV003832566.1).
Genomic context (GRCh38, chr7:117,592,536, plus strand): 5'-TGAACCTGATGACACACTCAGTTAACCAAGGTCAGAACATTCACCGAAAGACAACAGCAT[C>G]CACACGAAAAGTGTCACTGGCCCCTCAGGCAAACTTGACTGAACTGGATATATATTCAAG-3'
Protein context (NP_000483.3, residues 780-800): GQNIHRKTTA[Ser790Cys]TRKVSLAPQA